The following is an entry in ClinVar:

ClinVar aggregate classification (germline): Uncertain significance. Review status: criteria provided, multiple submitters, no conflicts (2 of 4 stars). 2 submissions from 2 submitters: Uncertain significance (2). Last evaluated 2025-05-17.

Conditions:
Kleefstra syndrome 1 (KLEFS1). Identifiers: Orphanet 261494, MedGen C0795833, MONDO:0027407, OMIM 610253.

Submissions (2):

Labcorp Genetics (formerly Invitae), Labcorp
Classification: Uncertain significance for Kleefstra syndrome 1. Last evaluated: 2025-05-17. Review status: criteria provided, single submitter. Criteria: Invitae Variant Classification Sherloc (09022015). Collection method: clinical testing. Allele origin: germline.
Comment: This sequence change affects codon 1041 of the EHMT1 mRNA. It is a 'silent' change, meaning that it does not change the encoded amino acid sequence of the EHMT1 protein. This variant is not present in population databases (gnomAD no frequency). This variant has not been reported in the literature in individuals affected with EHMT1-related conditions. ClinVar contains an entry for this variant (Variation ID: 210925). Algorithms developed to predict the effect of sequence changes on RNA splicing suggest that this variant may create or strengthen a splice site. In summary, the available evidence is currently insufficient to determine the role of this variant in disease. Therefore, it has been classified as a Variant of Uncertain Significance.

Genetic Services Laboratory, University of Chicago
Classification: Uncertain significance. Last evaluated: 2014-07-21. Review status: criteria provided, single submitter. Criteria: ACMG Guidelines, 2015. Collection method: clinical testing. Allele origin: germline.

NM_024757.5(EHMT1):c.3123C>A (p.Val1041=)

Gene: EHMT1 (euchromatic histone lysine methyltransferase 1; plus strand). Cytogenetic location: 9q34.3.
Variant type: single nucleotide variant.
Coding change: c.3123C>A on transcript NM_024757.5 (MANE Select); coding-DNA position 3123, C replaced by A.
Protein change: p.Val1041=; no amino-acid change (valine 1041 retained).
Molecular consequence: synonymous variant.
Genome position (GRCh38, 1-based): chr9:137,813,473, C>A. VCF-style: chr9-137813473-C-A. GRCh37 (hg19) VCF-style: chr9-140707925-C-A.
Other names: c.3102C>A, p.Val1034= (NM_001354263.2).
Identifiers: ClinVar variation 210925 (VCV000210925.7), dbSNP rs141527497, ClinGen allele CA207991.